The following is an entry in ClinVar:

ClinVar aggregate classification (germline): Uncertain significance. Review status: criteria provided, multiple submitters, no conflicts (2 of 4 stars). 3 submissions from 3 submitters: Uncertain significance (3). Last evaluated 2025-04-02.

Conditions:
Tuberous sclerosis 2 (TSC2). Identifiers: Orphanet 805, MedGen C1860707, MONDO:0013199, OMIM 613254.
Hereditary cancer-predisposing syndrome. Also called: Neoplastic Syndromes, Hereditary; Tumor predisposition; Hereditary Cancer Syndrome; Hereditary neoplastic syndrome. Identifiers: Orphanet 140162, MedGen C0027672, MeSH D009386, MONDO:0015356.

gnomAD v4.1: 1 of 1,613,376 alleles (0.000062%); highest among the groups gnomAD compares: Non-Finnish European, 0.000085%; no homozygotes.

Submissions (3):

Labcorp Genetics (formerly Invitae), Labcorp
Classification: Uncertain significance for Tuberous sclerosis 2. Last evaluated: 2025-04-02. Review status: criteria provided, single submitter. Criteria: Invitae Variant Classification Sherloc (09022015). Collection method: clinical testing. Allele origin: germline.
Comment: This sequence change replaces cysteine, which is neutral and slightly polar, with arginine, which is basic and polar, at codon 644 of the TSC2 protein (p.Cys644Arg). This variant is not present in population databases (gnomAD no frequency). This variant has not been reported in the literature in individuals affected with TSC2-related conditions. ClinVar contains an entry for this variant (Variation ID: 3232095). Invitae Evidence Modeling of protein sequence and biophysical properties (such as structural, functional, and spatial information, amino acid conservation, physicochemical variation, residue mobility, and thermodynamic stability) indicates that this missense variant is not expected to disrupt TSC2 protein function with a negative predictive value of 95%. In summary, the available evidence is currently insufficient to determine the role of this variant in disease. Therefore, it has been classified as a Variant of Uncertain Significance.

CeGaT Center for Human Genetics Tuebingen
Classification: Uncertain significance. Last evaluated: 2024-10-01. Review status: criteria provided, single submitter. Criteria: CeGaT Center For Human Genetics Tuebingen Variant Classification Criteria Version 2. Collection method: clinical testing. Allele origin: germline. Affected: yes. Observed: 1 variant allele.
Comment: TSC2: PM2, PM5

Ambry Genetics
Classification: Uncertain significance for Hereditary cancer-predisposing syndrome. Last evaluated: 2023-09-20. Review status: criteria provided, single submitter. Criteria: Ambry Variant Classification Scheme 2023. Collection method: clinical testing. Allele origin: germline.
Comment: The p.C644R variant (also known as c.1930T>C), located in coding exon 17 of the TSC2 gene, results from a T to C substitution at nucleotide position 1930. The cysteine at codon 644 is replaced by arginine, an amino acid with highly dissimilar properties. This amino acid position is conserved. In addition, this alteration is predicted to be deleterious by in silico analysis. Since supporting evidence is limited at this time, the clinical significance of this alteration remains unclear.

NM_000548.5(TSC2):c.1930T>C (p.Cys644Arg)

Gene: TSC2 (TSC complex subunit 2; plus strand). Cytogenetic location: 16p13.3.
Variant type: single nucleotide variant.
Coding change: c.1930T>C on transcript NM_000548.5 (MANE Select); coding-DNA position 1930, T replaced by C.
Protein change: p.Cys644Arg; replaces cysteine 644 with arginine.
Molecular consequence: missense variant. On other transcripts: non-coding transcript variant (5).
Genome position (GRCh38, 1-based): chr16:2,071,600, T>C. VCF-style: chr16-2071600-T-C. GRCh37 (hg19) VCF-style: chr16-2121601-T-C.
Other names: c.586T>C, p.Cys196Arg (NM_001406691.1, NM_001406692.1, NM_001406693.1 and 6 more transcripts); c.1930T>C, p.Cys644Arg (NM_001077183.3, NM_001114382.3, NM_001363528.2 and 6 more transcripts); c.1819T>C, p.Cys607Arg (NM_001318827.2, NM_001406670.1, NM_001406678.1); c.1783T>C, p.Cys595Arg (NM_001318829.2, NM_001406675.1, NM_001406676.1 and 1 more transcripts); c.1330T>C, p.Cys444Arg (NM_001318831.2, NM_001406680.1, NM_001406682.1 and 6 more transcripts); c.1963T>C, p.Cys655Arg (NM_001318832.2); c.2020T>C, p.Cys674Arg (NM_001406667.1, NM_001406668.1); c.328T>C, p.Cys110Arg (NM_001406698.1); and 3 more; short protein forms C110R, C196R, C444R, C490R, C595R, C607R, C625R, C640R.
Identifiers: ClinVar variation 3232095 (VCV003232095.16), dbSNP rs1567462577, ClinGen allele CA394273322.